The following is an entry in ClinVar:

ClinVar aggregate classification (germline): Uncertain significance (1 of 4 stars; one submission).

Conditions:
Dyskeratosis congenita. Identifiers: Orphanet 1775, MedGen C0265965, MONDO:0015780.

Allele frequency attached by ClinVar (database versions not stated): TOPMed below 0.00001.

Submission:

Labcorp Genetics (formerly Invitae), Labcorp
Classification: Uncertain significance for Dyskeratosis congenita. Last evaluated: 2023-05-02. Review status: criteria provided, single submitter. Criteria: Invitae Variant Classification Sherloc (09022015). Collection method: clinical testing. Allele origin: germline.
Comment: In summary, the available evidence is currently insufficient to determine the role of this variant in disease. Therefore, it has been classified as a Variant of Uncertain Significance. This sequence change replaces methionine, which is neutral and non-polar, with valine, which is neutral and non-polar, at codon 196 of the TINF2 protein (p.Met196Val). This variant is not present in population databases (gnomAD no frequency). This variant has not been reported in the literature in individuals affected with TINF2-related conditions. ClinVar contains an entry for this variant (Variation ID: 859941). An algorithm developed to predict the effect of missense changes on protein structure and function (PolyPhen-2) suggests that this variant is likely to be tolerated.

NM_001099274.3(TINF2):c.586A>G (p.Met196Val)

Gene: TINF2 (TERF1 interacting nuclear factor 2; minus strand). Cytogenetic location: 14q12.
Variant type: single nucleotide variant.
Coding change: c.586A>G on transcript NM_001099274.3 (MANE Select); coding-DNA position 586, A replaced by G.
Protein change: p.Met196Val; replaces methionine 196 with valine.
Molecular consequence: missense variant.
Genome position (GRCh38, 1-based): chr14:24,241,038, T>C on the plus strand (A>G on the coding strand, the complement: TINF2 is on the minus strand). VCF-style: chr14-24241038-T-C. GRCh37 (hg19) VCF-style: chr14-24710244-T-C.
Other names: c.481A>G, p.Met161Val (NM_001363668.2); c.586A>G, p.Met196Val (NM_012461.3); short protein forms M161V, M196V.
Identifiers: ClinVar variation 859941 (VCV000859941.9), dbSNP rs2040566613, ClinGen allele CA389230333.